The following is an entry in ClinVar:

NM_001083962.2(TCF4):c.1140C>G (p.His380Gln)

Gene: TCF4 (transcription factor 4; minus strand). Cytogenetic location: 18q21.2.
Variant type: single nucleotide variant.
Coding change: c.1140C>G on transcript NM_001083962.2 (MANE Select); coding-DNA position 1140, C replaced by G.
Protein change: p.His380Gln; replaces histidine 380 with glutamine.
Molecular consequence: missense variant.
Genome position (GRCh38, 1-based): chr18:55,257,321, G>C on the plus strand (C>G on the coding strand, the complement: TCF4 is on the minus strand). VCF-style: chr18-55257321-G-C. GRCh37 (hg19) VCF-style: chr18-52924552-G-C.
Other names: c.1137C>G, p.His379Gln (NM_001369570.1, NM_001369569.1, NM_001330604.3 and 2 more transcripts); c.1068C>G, p.His356Gln (NM_001348217.1, NM_001348218.2, NM_001348219.2 and 5 more transcripts); c.1140C>G, p.His380Gln (NM_001369571.1, NM_001369572.1, NM_001369567.1 and 2 more transcripts); c.1065C>G, p.His355Gln (NM_001348220.1, NM_001369576.1, NM_001369577.1 and 6 more transcripts); c.750C>G, p.His250Gln (NM_001330605.3, NM_001348212.2, NM_001348213.2 and 1 more transcripts); c.1014C>G, p.His338Gln (NM_001348211.2, NM_001243231.2); c.657C>G, p.His219Gln (NM_001348214.2); c.492C>G, p.His164Gln (NM_001348215.2); and 7 more; short protein forms H250Q, H309Q, H355Q, H357Q, H356Q, H380Q, H164Q, H220Q.
Identifiers: ClinVar variation 3688337 (VCV003688337.3).
Genomic context (GRCh38, chr18:55,257,321, plus strand): 5'-AGAAAGAACATGACCTGAAAATGGGTGGGACAGAGATTAGCAAATGAGACATACCAAAGA[G>C]TGTAAGGGTCCTTCATAATTAGGAGACGATGAGGCCTGTCCTCCATTTCTAGACCAAACA-3'
Protein context (NP_001077431.1, residues 370-390): SSSPNYEGPL[His380Gln]SLQSRIEDRL

ClinVar aggregate classification (germline): Uncertain significance. Review status: criteria provided, multiple submitters, no conflicts (2 of 4 stars). 2 submissions from 2 submitters: Uncertain significance (2). Last evaluated 2026-08-18.

Conditions:
Pitt-Hopkins syndrome (PTHS). Also called: ENCEPHALOPATHY, SEVERE EPILEPTIC, WITH AUTONOMIC DYSFUNCTION; MENTAL RETARDATION, SYNDROMAL, WITH INTERMITTENT HYPERVENTILATION. Identifiers: Orphanet 2896, MedGen C1970431, MONDO:0012589, OMIM 610954.
Inborn genetic diseases. Identifiers: MedGen C0950123, MeSH D030342.

gnomAD v4.1: 6 of 1,613,536 alleles (0.00037%); highest among the groups gnomAD compares: African/African-American, 0.0013%; no homozygotes.

Submissions (2):

Ambry Genetics
Classification: Uncertain significance for Inborn genetic diseases. Last evaluated: 2026-08-18. Review status: criteria provided, single submitter. Criteria: Ambry Variant Classification Scheme 2023. Collection method: clinical testing. Allele origin: germline.

Labcorp Genetics (formerly Invitae), Labcorp
Classification: Uncertain significance for Pitt-Hopkins syndrome. Last evaluated: 2024-08-31. Review status: criteria provided, single submitter. Criteria: Invitae Variant Classification Sherloc (09022015). Collection method: clinical testing. Allele origin: germline.
Comment: This sequence change replaces histidine, which is basic and polar, with glutamine, which is neutral and polar, at codon 380 of the TCF4 protein (p.His380Gln). This variant is not present in population databases (gnomAD no frequency). This variant has not been reported in the literature in individuals affected with TCF4-related conditions. Invitae Evidence Modeling of protein sequence and biophysical properties (such as structural, functional, and spatial information, amino acid conservation, physicochemical variation, residue mobility, and thermodynamic stability) indicates that this missense variant is not expected to disrupt TCF4 protein function with a negative predictive value of 95%. In summary, the available evidence is currently insufficient to determine the role of this variant in disease. Therefore, it has been classified as a Variant of Uncertain Significance.